The following is an entry in ClinVar:

ClinVar aggregate classification (germline): Uncertain significance. Review status: criteria provided, multiple submitters, no conflicts (2 of 4 stars). 3 submissions from 3 submitters: Uncertain significance (3). Last evaluated 2025-09-22.

Conditions:
Charcot-Marie-Tooth disease. Also called: Charcot-Marie-Tooth Hereditary Neuropathy; Charcot-Marie-Tooth Neuropathy. Identifiers: Orphanet 166, MedGen C0007959, MONDO:0015626.
Charcot-Marie-Tooth disease type 4. Also called: Charcot-Marie-Tooth, Type 4; Charcot-Marie-Tooth disease, type IV. Identifiers: Orphanet 64749, MedGen C4082197, MONDO:0018995.
Inborn genetic diseases. Identifiers: MedGen C0950123, MeSH D030342.

Allele frequency attached by ClinVar (database versions not stated): TOPMed 0.00001.
gnomAD v4.1: 6 of 1,614,200 alleles (0.00037%); highest among the groups gnomAD compares: Non-Finnish European, 0.00051%; no homozygotes.

Submissions (3):

Ambry Genetics
Classification: Uncertain significance for Inborn genetic diseases. Last evaluated: 2025-09-22. Review status: criteria provided, single submitter. Criteria: Ambry Variant Classification Scheme 2023. Collection method: clinical testing. Allele origin: germline.

Labcorp Genetics (formerly Invitae), Labcorp
Classification: Uncertain significance for Charcot-Marie-Tooth disease type 4. Last evaluated: 2022-04-24. Review status: criteria provided, single submitter. Criteria: Invitae Variant Classification Sherloc (09022015). Collection method: clinical testing. Allele origin: germline.
Comment: In summary, the available evidence is currently insufficient to determine the role of this variant in disease. Therefore, it has been classified as a Variant of Uncertain Significance. Advanced modeling of protein sequence and biophysical properties (such as structural, functional, and spatial information, amino acid conservation, physicochemical variation, residue mobility, and thermodynamic stability) performed at Invitae indicates that this missense variant is not expected to disrupt SH3TC2 protein function. ClinVar contains an entry for this variant (Variation ID: 917270). This missense change has been observed in individual(s) with clinical features of SH3TC2-related conditions (PMID: 32376792). This variant is not present in population databases (gnomAD no frequency). This sequence change replaces leucine, which is neutral and non-polar, with methionine, which is neutral and non-polar, at codon 759 of the SH3TC2 protein (p.Leu759Met).

Molecular Genetics Laboratory, London Health Sciences Centre
Classification: Uncertain significance for Charcot-Marie-Tooth disease. Review status: criteria provided, single submitter. Criteria: ACMG Guidelines, 2015. Collection method: clinical testing. Allele origin: germline. Affected: yes.

Literature cited by the submitters: PubMed 32376792 (cited by Labcorp Genetics (formerly Invitae), Labcorp).

NM_024577.4(SH3TC2):c.2275C>A (p.Leu759Met)

Gene: SH3TC2 (SH3 domain and tetratricopeptide repeats 2; minus strand). Cytogenetic location: 5q32.
Variant type: single nucleotide variant.
Coding change: c.2275C>A on transcript NM_024577.4 (MANE Select); coding-DNA position 2275, C replaced by A.
Protein change: p.Leu759Met; replaces leucine 759 with methionine.
Molecular consequence: missense variant.
Genome position (GRCh38, 1-based): chr5:149,027,457, G>T on the plus strand (C>A on the coding strand, the complement: SH3TC2 is on the minus strand). VCF-style: chr5-149027457-G-T. GRCh37 (hg19) VCF-style: chr5-148407020-G-T.
Other names: short protein forms L759M.
Identifiers: ClinVar variation 917270 (VCV000917270.12), dbSNP rs1754090424, ClinGen allele CA361666710.